The following is an entry in ClinVar:

NM_000384.3(APOB):c.10666C>A (p.Leu3556Ile)

Gene: APOB (apolipoprotein B; minus strand). Cytogenetic location: 2p24.1.
Variant type: single nucleotide variant.
Coding change: c.10666C>A on transcript NM_000384.3 (MANE Select); coding-DNA position 10666, C replaced by A.
Protein change: p.Leu3556Ile; replaces leucine 3556 with isoleucine.
Molecular consequence: missense variant.
Genome position (GRCh38, 1-based): chr2:21,006,202, G>T on the plus strand (C>A on the coding strand, the complement: APOB is on the minus strand). VCF-style: chr2-21006202-G-T. GRCh37 (hg19) VCF-style: chr2-21229074-G-T.
Other names: short protein forms L3556I.
Identifiers: ClinVar variation 4862766 (VCV004862766.1).

ClinVar aggregate classification (germline): Uncertain significance (1 of 4 stars; one submission).

Conditions:
Cardiovascular phenotype. Identifiers: MedGen CN230736.

gnomAD v4.1: 1 of 1,614,100 alleles (0.000062%); highest among the groups gnomAD compares: African/African-American, 0.0013%; no homozygotes.

Submission:

Ambry Genetics
Classification: Uncertain significance for Cardiovascular phenotype. Last evaluated: 2026-06-09. Review status: criteria provided, single submitter. Criteria: Ambry Variant Classification Scheme 2023. Collection method: clinical testing. Allele origin: germline.
Comment: The p.L3556I variant (also known as c.10666C>A), located in coding exon 26 of the APOB gene, results from a C to A substitution at nucleotide position 10666. The leucine at codon 3556 is replaced by isoleucine, an amino acid with highly similar properties. This amino acid position is conserved. In addition, this alteration is predicted to be tolerated by in silico analysis. Based on the available evidence, the clinical significance of this variant remains unclear.